The following is an entry in ClinVar:

NM_001035.3(RYR2):c.10649G>C (p.Arg3550Thr)

Gene: RYR2 (ryanodine receptor 2; plus strand). Cytogenetic location: 1q43.
Variant type: single nucleotide variant.
Coding change: c.10649G>C on transcript NM_001035.3 (MANE Select); coding-DNA position 10649, G replaced by C.
Protein change: p.Arg3550Thr; replaces arginine 3550 with threonine.
Molecular consequence: missense variant.
Genome position (GRCh38, 1-based): chr1:237,723,222, G>C. VCF-style: chr1-237723222-G-C. GRCh37 (hg19) VCF-style: chr1-237886522-G-C.
Other names: short protein forms R3550T.
Identifiers: ClinVar variation 1017471 (VCV001017471.48), dbSNP rs1689899254, ClinGen allele CA345416170.

ClinVar aggregate classification (germline): Uncertain significance (1 of 4 stars; one submission).

Conditions:
Catecholaminergic polymorphic ventricular tachycardia 1. Also called: VENTRICULAR TACHYCARDIA, STRESS-INDUCED POLYMORPHIC 1; VENTRICULAR TACHYCARDIA, CATECHOLAMINERGIC POLYMORPHIC, 1, WITH OR WITHOUT ATRIAL DYSFUNCTION AND/OR DILATED CARDIOMYOPATHY; RYR2-Related Catecholaminergic Polymorphic Ventricular Tachycardia. Identifiers: Orphanet 3286, MedGen C1631597, MONDO:0011484, OMIM 604772.

Submission:

Labcorp Genetics (formerly Invitae), Labcorp
Classification: Uncertain significance for Catecholaminergic polymorphic ventricular tachycardia 1. Last evaluated: 2025-06-15. Review status: criteria provided, single submitter. Criteria: Invitae Variant Classification Sherloc (09022015). Collection method: clinical testing. Allele origin: germline.
Comment: This sequence change replaces arginine, which is basic and polar, with threonine, which is neutral and polar, at codon 3550 of the RYR2 protein (p.Arg3550Thr). This variant is not present in population databases (gnomAD no frequency). This variant has not been reported in the literature in individuals affected with RYR2-related conditions. ClinVar contains an entry for this variant (Variation ID: 1017471). Invitae Evidence Modeling of protein sequence and biophysical properties (such as structural, functional, and spatial information, amino acid conservation, physicochemical variation, residue mobility, and thermodynamic stability) indicates that this missense variant is expected to disrupt RYR2 protein function with a positive predictive value of 95%. In summary, the available evidence is currently insufficient to determine the role of this variant in disease. Therefore, it has been classified as a Variant of Uncertain Significance.